The following is an entry in ClinVar:

NM_033380.3(COL4A5):c.3240_3246delinsAA (p.Pro1081fs)

Gene: COL4A5 (collagen type IV alpha 5 chain; plus strand). Cytogenetic location: Xq22.3.
Variant type: Indel.
Coding change: c.3240_3246delinsAA on transcript NM_033380.3 (MANE Select); coding-DNA positions 3240 to 3246, TCCAAAG replaced by AA.
Protein change: p.Pro1081fs; shifts the reading frame from proline 1081.
Molecular consequence: frameshift variant.
Genome position (GRCh38, 1-based): chrX:108,626,343-108,626,349, TCCAAAG replaced by AA. VCF-style: chrX-108626343-TCCAAAG-AA. GRCh37 (hg19) VCF-style: chrX-107869573-TCCAAAG-AA.
Other names: c.3240_3246delinsAA, p.Pro1081fs (NM_000495.5); short protein forms P1081fs.
Identifiers: ClinVar variation 4291820 (VCV004291820.1).

ClinVar aggregate classification (germline): Likely pathogenic (1 of 4 stars; one submission).

Conditions:
X-linked Alport syndrome (ATS1). Also called: COL4A5-Related Nephropathy; NEPHROPATHY AND DEAFNESS, X-LINKED. Identifiers: Orphanet 63, Orphanet 88917, MedGen C4746986, MONDO:0010520, OMIM 301050.

Submission:

3billion
Classification: Likely pathogenic for X-linked Alport syndrome. Last evaluated: 2024-10-10. Review status: criteria provided, single submitter. Criteria: ACMG Guidelines, 2015. Collection method: clinical testing. Allele origin: germline. Affected: yes.
Comment: The variant is not observed in the gnomAD v4.1.0 dataset. Predicted Consequence/Location: Frameshift: predicted to result in a loss or disruption of normal protein function through nonsense-mediated decay (NMD) or protein truncation. Multiple pathogenic variants are reported downstream of the variant. In silico tools predict the variant to alter splicing and produce an abnormal transcript [SpliceAI: NA (spliceogenicity >=0.2, non-spliceogenicity <0.1)]. Therefore, this variant is classified as Likely pathogenic according to the recommendation of ACMG/AMP guideline.